The following is an entry in ClinVar:

NM_002576.5(PAK1):c.1023G>T (p.Trp341Cys)

Gene: PAK1 (p21 (RAC1) activated kinase 1; minus strand). Cytogenetic location: 11q13.5.
Variant type: single nucleotide variant.
Coding change: c.1023G>T on transcript NM_002576.5 (MANE Select); coding-DNA position 1023, G replaced by T.
Protein change: p.Trp341Cys; replaces tryptophan 341 with cysteine.
Molecular consequence: missense variant. On other transcripts: non-coding transcript variant (2).
Genome position (GRCh38, 1-based): chr11:77,340,739, C>A on the plus strand (G>T on the coding strand, the complement: PAK1 is on the minus strand). VCF-style: chr11-77340739-C-A. GRCh37 (hg19) VCF-style: chr11-77051784-C-A.
Other names: c.729G>T, p.Trp243Cys (NM_001376305.1, NM_001376302.1, NM_001376304.1); c.1023G>T, p.Trp341Cys (NM_001376292.1, NM_001376293.1, NM_001128620.2 and 23 more transcripts); c.1014G>T, p.Trp338Cys (NM_001376294.1); c.846G>T, p.Trp282Cys (NM_001376295.1); c.774G>T, p.Trp258Cys (NM_001376301.1); c.735G>T, p.Trp245Cys (NM_001376303.1); c.1044G>T, p.Trp348Cys (NM_001376272.1); short protein forms W243C, W245C, W258C, W282C, W338C, W341C, W348C.
Identifiers: ClinVar variation 4538167 (VCV004538167.1).

ClinVar aggregate classification (germline): Uncertain significance (1 of 4 stars; one submission).

Submission:

GeneDx
Classification: Uncertain significance. Last evaluated: 2025-06-09. Review status: criteria provided, single submitter. Criteria: GeneDx Variant Classification Process June 2021. Collection method: clinical testing. Allele origin: germline. Affected: yes.
Comment: Not observed at significant frequency in large population cohorts (gnomAD); In silico analysis supports that this missense variant has a deleterious effect on protein structure/function; Has not been previously published as pathogenic or benign to our knowledge